The following is an entry in ClinVar:

ClinVar aggregate classification (germline): Uncertain significance (1 of 4 stars; one submission).

Conditions:
Early-infantile DEE. Also called: Ohtahara syndrome; Early infantile epileptic encephalopathy; Early infantile epileptic encephalopathy with suppression bursts. Identifiers: Orphanet 1934, MedGen C0393706, MONDO:0800491.

Allele frequency attached by ClinVar (database versions not stated): gnomAD 0.00009 and 0.00010; TOPMed 0.00010.

Submission:

Labcorp Genetics (formerly Invitae), Labcorp
Classification: Uncertain significance for Early-infantile DEE. Last evaluated: 2025-12-09. Review status: criteria provided, single submitter. Criteria: Invitae Variant Classification Sherloc (09022015). Collection method: clinical testing. Allele origin: germline.
Comment: This sequence change falls in intron 20 of the SCN1A gene. It does not directly change the encoded amino acid sequence of the SCN1A protein. However, this sequence change falls within a region encompassing a cryptic exon in the SCN1A gene, in which variants have been shown to alter splicing (PMID: 30526861, 34107977). This variant is present in population databases (rs766365175, gnomAD 0.02%). This variant has not been reported in the literature in individuals affected with SCN1A-related conditions. ClinVar contains an entry for this variant (Variation ID: 1629197). Algorithms developed to predict the effect of sequence changes on RNA splicing suggest that this variant is not likely to affect RNA splicing. In summary, the available evidence is currently insufficient to determine the role of this variant in disease. Therefore, it has been classified as a Variant of Uncertain Significance.

Literature cited by the submitters: PubMed 30526861; PubMed 34107977.

NM_001165963.4(SCN1A):c.4002+2535T>A

Genes: SCN1A (sodium voltage-gated channel alpha subunit 1; minus strand), LOC102724058 (uncharacterized LOC102724058; plus strand). Cytogenetic location: 2q24.3.
Variant type: single nucleotide variant.
Coding change: c.4002+2535T>A on transcript NM_001165963.4 (MANE Select); 2535 bases into the intron after coding-DNA position 4002, T replaced by A.
Molecular consequence: intron variant.
Genome position (GRCh38, 1-based): chr2:166,007,184, A>T on the plus strand (T>A on the coding strand, the complement: SCN1A is on the minus strand). VCF-style: chr2-166007184-A-T. GRCh37 (hg19) VCF-style: chr2-166863694-A-T.
Other names: c.3969+2535T>A (NM_001353949.2, NM_001353950.2, NM_001353951.2 and 2 more transcripts); c.3918+2535T>A (NM_001353958.2, NM_001353957.2, NM_001165964.3); c.4002+2535T>A (NM_001202435.3, NM_001353948.2); c.3966+2535T>A (NM_001353955.2, NM_001353954.2); c.3915+2535T>A (NM_001353960.2); c.1560+2535T>A (NM_001353961.2).
Identifiers: ClinVar variation 1629197 (VCV001629197.9), dbSNP rs766365175, ClinGen allele CA59771552.